The following is an entry in ClinVar:

ClinVar aggregate classification (germline): Likely benign. Review status: criteria provided, multiple submitters, no conflicts (2 of 4 stars). 3 submissions from 3 submitters: Likely benign (3). Last evaluated 2025-08-25.

Allele frequency attached by ClinVar (database versions not stated): 1000 Genomes Project 0.00280; 1000 Genomes Project 30x 0.00297; TOPMed 0.00456; gnomAD 0.00460 and 0.00482; gnomAD exomes 0.00500 and 0.00568; ESP Exome Variant Server 0.00514; ExAC 0.00534.
gnomAD v4.1: 8,572 of 1,545,122 alleles (0.55%); highest among the groups gnomAD compares: Middle Eastern, 0.73%; 32 homozygotes.

Submissions (3):

Mayo Clinic Laboratories, Mayo Clinic
Classification: Likely benign. Last evaluated: 2025-08-25. Review status: criteria provided, single submitter. Criteria: ACMG Guidelines, 2015. Collection method: clinical testing. Allele origin: germline. Observed: 4 variant alleles.
Comment: BS1, BP4, BP7

GeneDx
Classification: Likely benign. Last evaluated: 2020-05-14. Review status: criteria provided, single submitter. Criteria: GeneDx Variant Classification Process June 2021. Collection method: clinical testing. Allele origin: germline. Affected: yes.

Breakthrough Genomics
Classification: Likely benign. Review status: criteria provided, single submitter. Criteria: ACMG Guidelines, 2015. Collection method: not provided. Allele origin: germline. Inheritance: Autosomal recessive inheritance. Affected: yes.

NM_001378615.1(CC2D2A):c.439-28T>G

Genes: CC2D2A (coiled-coil and C2 domain containing 2A; plus strand), FBXL5 (F-box and leucine rich repeat protein 5; minus strand). Cytogenetic location: 4p15.32.
Variant type: single nucleotide variant.
Coding change: c.439-28T>G on transcript NM_001378615.1 (MANE Select); 28 bases into the intron before coding-DNA position 439, T replaced by G.
Molecular consequence: intron variant.
Genome position (GRCh38, 1-based): chr4:15,510,111, T>G. VCF-style: chr4-15510111-T-G. GRCh37 (hg19) VCF-style: chr4-15511734-T-G.
Other names: p.?; c.439-28T>G (NM_001080522.2); c.292-28T>G (NM_001378617.1).
Identifiers: ClinVar variation 1200311 (VCV001200311.5), dbSNP rs148190483, ClinGen allele CA2863413.